The following is an entry in ClinVar:

ClinVar aggregate classification (germline): Uncertain significance (1 of 4 stars; one submission).

Allele frequency attached by ClinVar (database versions not stated): TOPMed below 0.00001; gnomAD 0.00001.

Submission:

Ambry Genetics
Classification: Uncertain significance. Last evaluated: 2022-11-20. Review status: criteria provided, single submitter. Criteria: Ambry Variant Classification Scheme 2023. Collection method: clinical testing. Allele origin: germline.
Comment: The p.M17T variant (also known as c.50T>C), located in coding exon 1 of the PALLD gene, results from a T to C substitution at nucleotide position 50. The methionine at codon 17 is replaced by threonine, an amino acid with similar properties. This amino acid position is conserved. In addition, this alteration is predicted to be tolerated by in silico analysis. Since supporting evidence is limited at this time, the clinical significance of this alteration remains unclear.

NM_001166108.2(PALLD):c.50T>C (p.Met17Thr)

Gene: PALLD (palladin, cytoskeletal associated protein; plus strand). Cytogenetic location: 4q32.3.
Variant type: single nucleotide variant.
Coding change: c.50T>C on transcript NM_001166108.2 (MANE Select); coding-DNA position 50, T replaced by C.
Protein change: p.Met17Thr; replaces methionine 17 with threonine.
Molecular consequence: missense variant.
Genome position (GRCh38, 1-based): chr4:168,511,554, T>C. VCF-style: chr4-168511554-T-C. GRCh37 (hg19) VCF-style: chr4-169432705-T-C.
Other names: c.50T>C, p.Met17Thr (NM_016081.4); short protein forms M17T.
Identifiers: ClinVar variation 2447413 (VCV002447413.2), dbSNP rs1407404681, ClinGen allele CA358724104.
Genomic context (GRCh38, chr4:168,511,554, plus strand): 5'-ACCGTTCAAATATGTCAGGGACCTCCTCCCATGAGTCCTTCTATGACTCCCTCTCAGACA[T>C]GCAGGAAGAAAGCAAGAATACTGACTTCTTCCCGGGCCTTTCTGCTTTCCTCAGCCAGGA-3'
Protein context (NP_001159580.1, residues 7-27): HESFYDSLSD[Met17Thr]QEESKNTDFF